The following is an entry in ClinVar:

ClinVar aggregate classification (germline): Uncertain significance. Review status: criteria provided, multiple submitters, no conflicts (2 of 4 stars). 2 submissions from 2 submitters: Uncertain significance (2). Last evaluated 2025-08-13.

Conditions:
Inborn genetic diseases. Identifiers: MedGen C0950123, MeSH D030342.
Charcot-Marie-Tooth disease type 4. Also called: Charcot-Marie-Tooth disease, type IV; Charcot-Marie-Tooth, Type 4. Identifiers: Orphanet 64749, MedGen C4082197, MONDO:0018995.

Allele frequency attached by ClinVar (database versions not stated): gnomAD 0.00001; gnomAD exomes 0.00001 and 0.00003; ExAC 0.00002; TOPMed 0.00003.
gnomAD v4.1: 8 of 1,614,088 alleles (0.0005%); highest among the groups gnomAD compares: Admixed American, 0.013%; no homozygotes.

Submissions (2):

Ambry Genetics
Classification: Uncertain significance for Inborn genetic diseases. Last evaluated: 2025-08-13. Review status: criteria provided, single submitter. Criteria: Ambry Variant Classification Scheme 2023. Collection method: clinical testing. Allele origin: germline.

Labcorp Genetics (formerly Invitae), Labcorp
Classification: Uncertain significance for Charcot-Marie-Tooth disease type 4. Last evaluated: 2023-08-28. Review status: criteria provided, single submitter. Criteria: Invitae Variant Classification Sherloc (09022015). Collection method: clinical testing. Allele origin: germline.
Comment: In summary, the available evidence is currently insufficient to determine the role of this variant in disease. Therefore, it has been classified as a Variant of Uncertain Significance. Advanced modeling of protein sequence and biophysical properties (such as structural, functional, and spatial information, amino acid conservation, physicochemical variation, residue mobility, and thermodynamic stability) performed at Invitae indicates that this missense variant is not expected to disrupt PRX protein function. ClinVar contains an entry for this variant (Variation ID: 1052976). This variant has not been reported in the literature in individuals affected with PRX-related conditions. This variant is present in population databases (rs747471167, gnomAD 0.02%). This sequence change replaces alanine, which is neutral and non-polar, with serine, which is neutral and polar, at codon 954 of the PRX protein (p.Ala954Ser).

NM_181882.3(PRX):c.2860G>T (p.Ala954Ser)

Gene: PRX (periaxin; minus strand). Cytogenetic location: 19q13.2.
Variant type: single nucleotide variant.
Coding change: c.2860G>T on transcript NM_181882.3 (MANE Select); coding-DNA position 2860, G replaced by T.
Protein change: p.Ala954Ser; replaces alanine 954 with serine.
Molecular consequence: missense variant. On other transcripts: 3 prime UTR variant (1).
Genome position (GRCh38, 1-based): chr19:40,395,492, C>A on the plus strand (G>T on the coding strand, the complement: PRX is on the minus strand). VCF-style: chr19-40395492-C-A. GRCh37 (hg19) VCF-style: chr19-40901399-C-A.
Other names: c.2860G>T (NM_181882.2); c.*3065G>T (NM_020956.2); short protein forms A954S.
Identifiers: ClinVar variation 1052976 (VCV001052976.10), dbSNP rs747471167, ClinGen allele CA9443963.